The following is an entry in ClinVar:

NM_004104.5(FASN):c.422C>T (p.Ala141Val)

Gene: FASN (fatty acid synthase; minus strand). Cytogenetic location: 17q25.3.
Variant type: single nucleotide variant.
Coding change: c.422C>T on transcript NM_004104.5 (MANE Select); coding-DNA position 422, C replaced by T.
Protein change: p.Ala141Val; replaces alanine 141 with valine.
Molecular consequence: missense variant.
Genome position (GRCh38, 1-based): chr17:82,093,630, G>A on the plus strand (C>T on the coding strand, the complement: FASN is on the minus strand). VCF-style: chr17-82093630-G-A. GRCh37 (hg19) VCF-style: chr17-80051506-G-A.
Other names: short protein forms A141V.
Identifiers: ClinVar variation 4798396 (VCV004798396.1).
Genomic context (GRCh38, chr17:82,093,630, plus strand): 5'-CCTCCGCAGGAGGCTGGGCAGGACCCACCTCTGAAGTCGAAGAAGAAGGAGAGCCGGTTG[G>A]CCATCATCGCTCGCTGGCAGCCCACCATGCTGTAGCCCACGAGTGTCTCGGGGTCTCGGC-3'
Protein context (NP_004095.4, residues 131-151): SMVGCQRAMM[Ala141Val]NRLSFFFDFR

ClinVar aggregate classification (germline): Uncertain significance (1 of 4 stars; one submission).

Conditions:
Epileptic encephalopathy. Identifiers: MedGen C0543888, HP:0200134.

Submission:

Labcorp Genetics (formerly Invitae), Labcorp
Classification: Uncertain significance for Epileptic encephalopathy. Last evaluated: 2025-08-31. Review status: criteria provided, single submitter. Criteria: Invitae Variant Classification Sherloc (09022015). Collection method: clinical testing. Allele origin: germline.
Comment: This sequence change replaces alanine, which is neutral and non-polar, with valine, which is neutral and non-polar, at codon 141 of the FASN protein (p.Ala141Val). This variant is not present in population databases (gnomAD no frequency). This variant has not been reported in the literature in individuals affected with FASN-related conditions. An algorithm developed to predict the effect of missense changes on protein structure and function (PolyPhen-2) suggests that this variant is likely to be disruptive. In summary, the available evidence is currently insufficient to determine the role of this variant in disease. Therefore, it has been classified as a Variant of Uncertain Significance.